The following is an entry in ClinVar:

ClinVar aggregate classification (germline): Uncertain significance. Review status: criteria provided, multiple submitters, no conflicts (2 of 4 stars). 3 submissions from 3 submitters: Uncertain significance (3). Last evaluated 2023-05-26.

Conditions:
Cardiovascular phenotype. Identifiers: MedGen CN230736.

Submissions (3):

Ambry Genetics
Classification: Uncertain significance for Cardiovascular phenotype. Last evaluated: 2023-05-26. Review status: criteria provided, single submitter. Criteria: Ambry Variant Classification Scheme 2023. Collection method: clinical testing. Allele origin: germline.
Comment: The p.P1174H variant (also known as c.3521C>A), located in coding exon 2 of the ZNF469 gene, results from a C to A substitution at nucleotide position 3521. The proline at codon 1174 is replaced by histidine, an amino acid with similar properties. This amino acid position is conserved. In addition, this alteration is predicted to be tolerated by in silico analysis. Since supporting evidence is limited at this time, the clinical significance of this alteration remains unclear.

Labcorp Genetics (formerly Invitae), Labcorp
Classification: Uncertain significance. Last evaluated: 2022-07-20. Review status: criteria provided, single submitter. Criteria: Invitae Variant Classification Sherloc (09022015). Collection method: clinical testing. Allele origin: germline.
Comment: This sequence change replaces proline, which is neutral and non-polar, with histidine, which is basic and polar, at codon 1174 of the ZNF469 protein (p.Pro1174His). This variant is not present in population databases (gnomAD no frequency). This variant has not been reported in the literature in individuals affected with ZNF469-related conditions. ClinVar contains an entry for this variant (Variation ID: 1314210). Algorithms developed to predict the effect of missense changes on protein structure and function are either unavailable or do not agree on the potential impact of this missense change (SIFT: "Tolerated"; PolyPhen-2: "Possibly Damaging"; Align-GVGD: "Class C0"). In summary, the available evidence is currently insufficient to determine the role of this variant in disease. Therefore, it has been classified as a Variant of Uncertain Significance.

GeneDx
Classification: Uncertain significance. Last evaluated: 2021-05-13. Review status: criteria provided, single submitter. Criteria: GeneDx Variant Classification Process June 2021. Collection method: clinical testing. Allele origin: germline. Affected: yes.
Comment: Not observed in large population cohorts (Lek et al., 2016); In silico analysis supports that this missense variant does not alter protein structure/function; Has not been previously published as pathogenic or benign to our knowledge

NM_001367624.2(ZNF469):c.3605C>A (p.Pro1202His)

Gene: ZNF469 (zinc finger protein 469; plus strand). Cytogenetic location: 16q24.2.
Variant type: single nucleotide variant.
Coding change: c.3605C>A on transcript NM_001367624.2 (MANE Select); coding-DNA position 3605, C replaced by A.
Protein change: p.Pro1202His; replaces proline 1202 with histidine.
Molecular consequence: missense variant.
Genome position (GRCh38, 1-based): chr16:88,431,075, C>A. VCF-style: chr16-88431075-C-A. GRCh37 (hg19) VCF-style: chr16-88497483-C-A.
Other names: NM_001127464.1:c.3521C>A; short protein forms P1202H.
Identifiers: ClinVar variation 1314210 (VCV001314210.5), dbSNP rs1474024240, ClinGen allele CA397085395.